The following continues an entry in ClinVar:

NM_007294.4(BRCA1):c.3668_3671dup (p.Cys1225fs)

ClinVar aggregate classification (germline): Pathogenic. Pathogenic (1).

Submissions 10 to 15 of 15:

Quest Diagnostics Nichols Institute San Juan Capistrano
Classification: Pathogenic. Last evaluated: 2023-01-09. Review status: criteria provided, single submitter. Criteria: Quest Diagnostics criteria. Collection method: clinical testing. Allele origin: unknown. Not counted in ClinVar's aggregate classification.
Comment: This frameshift variant alters the translational reading frame of the BRCA1 mRNA and causes the premature termination of BRCA1 protein synthesis. The frequency of this variant in the general population, 0.0000066 (1/152238 chromosomes), is consistent with pathogenicity. In the published literature, the variant has been reported in several individuals with a personal and/or family history of breast and/or ovarian cancer (PMID: 12698193 (2003), 15728167 (2005), 22711857 (2012), 26718727 (2016), 33758026 (2022)). Based on the available information, this variant is classified as pathogenic.

Consortium of Investigators of Modifiers of BRCA1/2 (CIMBA), c/o University of Cambridge
Classification: Pathogenic for Breast-ovarian cancer, familial, susceptibility to, 1. Last evaluated: 2015-10-02. Review status: criteria provided, single submitter. Criteria: CIMBA Mutation Classification guidelines May 2016. Collection method: clinical testing. Allele origin: germline. Not counted in ClinVar's aggregate classification.

Research Molecular Genetics Laboratory, Women's College Hospital, University of Toronto
Classification: Pathogenic for Hereditary breast ovarian cancer syndrome. Last evaluated: 2014-01-31. Review status: no assertion criteria provided. Collection method: research. Allele origin: germline. Affected: yes. Study: The Canadian Open Genetics Repository (COGR). Not counted in ClinVar's aggregate classification.

Breast Cancer Information Core (BIC) (BRCA1)
Classification: Pathogenic for Breast-ovarian cancer, familial 1. Last evaluated: 2002-05-29. Review status: no assertion criteria provided. Collection method: clinical testing. Allele origin: germline. Affected: yes. Observed: 15 variant alleles. Not counted in ClinVar's aggregate classification.

Department of Pathology and Laboratory Medicine, Sinai Health System
Classification: Uncertain significance. Review status: no assertion criteria provided. Collection method: clinical testing. Allele origin: unknown. Affected: yes. Observed: 2 variant alleles. Study: The Canadian Open Genetics Repository (COGR). Not counted in ClinVar's aggregate classification.

Foulkes Cancer Genetics LDI, Lady Davis Institute for Medical Research
Classification: Pathogenic for Breast and/or ovarian cancer. Review status: no assertion criteria provided. Collection method: clinical testing. Allele origin: germline. Study: The Canadian Open Genetics Repository (COGR). Not counted in ClinVar's aggregate classification.

Literature cited by the submitters: PubMed 20104584 (cited by Labcorp Genetics (formerly Invitae), Labcorp); PubMed 12698193 (cited by 6 submitters); PubMed 15728167 (cited by 6 submitters); PubMed 22711857 (cited by 6 submitters); PubMed 26718727 (cited by 5 submitters); PubMed 26681312 (cited by Ambry Genetics); PubMed 31341520 (cited by Ambry Genetics and Quest Diagnostics Nichols Institute San Juan Capistrano); PubMed 16267036 (cited by Women's Health and Genetics/Laboratory Corporation of America, LabCorp); PubMed 21702907 (cited by Women's Health and Genetics/Laboratory Corporation of America, LabCorp); PubMed 23242139 (cited by Women's Health and Genetics/Laboratory Corporation of America, LabCorp); PubMed 12112659 (cited by Women's Health and Genetics/Laboratory Corporation of America, LabCorp and Quest Diagnostics Nichols Institute San Juan Capistrano); PubMed 24830819 (cited by Women's Health and Genetics/Laboratory Corporation of America, LabCorp); PubMed 21080930 (cited by Women's Health and Genetics/Laboratory Corporation of America, LabCorp); PubMed 33758026 (cited by Women's Health and Genetics/Laboratory Corporation of America, LabCorp and Quest Diagnostics Nichols Institute San Juan Capistrano); PubMed 31825140 (cited by Quest Diagnostics Nichols Institute San Juan Capistrano); PubMed 26956035 (cited by Quest Diagnostics Nichols Institute San Juan Capistrano).